The following is an entry in ClinVar:

ClinVar aggregate classification (germline): Uncertain significance. Review status: criteria provided, multiple submitters, no conflicts (2 of 4 stars). 2 submissions from 2 submitters: Uncertain significance (2). Last evaluated 2024-06-21.

Conditions:
Hereditary cancer-predisposing syndrome. Also called: Neoplastic Syndromes, Hereditary; Tumor predisposition; Hereditary neoplastic syndrome; Hereditary Cancer Syndrome. Identifiers: Orphanet 140162, MedGen C0027672, MeSH D009386, MONDO:0015356.

Submissions (2):

Ambry Genetics
Classification: Uncertain significance for Hereditary cancer-predisposing syndrome. Last evaluated: 2024-06-21. Review status: criteria provided, single submitter. Criteria: Ambry Variant Classification Scheme 2023. Collection method: clinical testing. Allele origin: germline.
Comment: The p.C1443S variant (also known as c.4328G>C), located in coding exon 34 of the POLE gene, results from a G to C substitution at nucleotide position 4328. The cysteine at codon 1443 is replaced by serine, an amino acid with dissimilar properties. This amino acid position is conserved. In addition, the in silico prediction for this alteration is inconclusive. Based on the available evidence, the clinical significance of this variant remains unclear.

Labcorp Genetics (formerly Invitae), Labcorp
Classification: Uncertain significance. Last evaluated: 2023-12-07. Review status: criteria provided, single submitter. Criteria: Invitae Variant Classification Sherloc (09022015). Collection method: clinical testing. Allele origin: germline.
Comment: This sequence change replaces cysteine, which is neutral and slightly polar, with serine, which is neutral and polar, at codon 1443 of the POLE protein (p.Cys1443Ser). This variant is not present in population databases (gnomAD no frequency). This variant has not been reported in the literature in individuals affected with POLE-related conditions. ClinVar contains an entry for this variant (Variation ID: 1362694). Advanced modeling of protein sequence and biophysical properties (such as structural, functional, and spatial information, amino acid conservation, physicochemical variation, residue mobility, and thermodynamic stability) performed at Invitae indicates that this missense variant is not expected to disrupt POLE protein function with a negative predictive value of 80%. In summary, the available evidence is currently insufficient to determine the role of this variant in disease. Therefore, it has been classified as a Variant of Uncertain Significance.

NM_006231.4(POLE):c.4328G>C (p.Cys1443Ser)

Gene: POLE (DNA polymerase epsilon, catalytic subunit; minus strand). Cytogenetic location: 12q24.33.
Variant type: single nucleotide variant.
Coding change: c.4328G>C on transcript NM_006231.4 (MANE Select); coding-DNA position 4328, G replaced by C.
Protein change: p.Cys1443Ser; replaces cysteine 1443 with serine.
Molecular consequence: missense variant.
Genome position (GRCh38, 1-based): chr12:132,643,523, C>G on the plus strand (G>C on the coding strand, the complement: POLE is on the minus strand). VCF-style: chr12-132643523-C-G. GRCh37 (hg19) VCF-style: chr12-133220109-C-G.
Other names: c.4328G>C (NM_006231.2); short protein forms C1443S.
Identifiers: ClinVar variation 1362694 (VCV001362694.7), dbSNP rs2042204673, ClinGen allele CA387381462.